The following is an entry in ClinVar:

ClinVar aggregate classification (germline): Uncertain significance (1 of 4 stars; one submission).

Submission:

Ambry Genetics
Classification: Uncertain significance. Last evaluated: 2024-12-08. Review status: criteria provided, single submitter. Criteria: Ambry Variant Classification Scheme 2023. Collection method: clinical testing. Allele origin: germline.
Comment: The p.V1118I variant (also known as c.3352G>A), located in coding exon 12 of the WNK2 gene, results from a G to A substitution at nucleotide position 3352. The valine at codon 1118 is replaced by isoleucine, an amino acid with highly similar properties. This amino acid position is conserved. In addition, this alteration is predicted to be tolerated by in silico analysis. Based on the available evidence, the clinical significance of this variant remains unclear.

NM_006648.4(WNK2):c.3352G>A (p.Val1118Ile)

Gene: WNK2 (WNK lysine deficient protein kinase 2; plus strand). Cytogenetic location: 9q22.31.
Variant type: single nucleotide variant.
Coding change: c.3352G>A on transcript NM_006648.4 (MANE Select); coding-DNA position 3352, G replaced by A.
Protein change: p.Val1118Ile; replaces valine 1118 with isoleucine.
Molecular consequence: missense variant.
Genome position (GRCh38, 1-based): chr9:93,262,099, G>A. VCF-style: chr9-93262099-G-A. GRCh37 (hg19) VCF-style: chr9-96024381-G-A.
Other names: c.3352G>A, p.Val1118Ile (NM_001282394.3); short protein forms V1118I.
Identifiers: ClinVar variation 3470671 (VCV003470671.1).
Genomic context (GRCh38, chr9:93,262,099, plus strand): 5'-CTGCCTGGCGGGCCCGGGATCGCCAGCCCTTGCCCAACTGTCCAGCTGACGGTGGAACCA[G>A]TCCAAGAGGTGTGTGCCCCTCCCCCCAGCCTGTCCCATGACTGGGCAGTTGCGGCCACCG-3'
Protein context (NP_006639.3, residues 1108-1128): CPTVQLTVEP[Val1118Ile]QEEQASQDKP